The following is an entry in ClinVar:

NM_000051.4(ATM):c.4825A>G (p.Thr1609Ala)

Gene: ATM (ATM serine/threonine kinase; plus strand). Cytogenetic location: 11q22.3.
Variant type: single nucleotide variant.
Coding change: c.4825A>G on transcript NM_000051.4 (MANE Select); coding-DNA position 4825, A replaced by G.
Protein change: p.Thr1609Ala; replaces threonine 1609 with alanine.
Molecular consequence: missense variant.
Genome position (GRCh38, 1-based): chr11:108,294,975, A>G. VCF-style: chr11-108294975-A-G. GRCh37 (hg19) VCF-style: chr11-108165702-A-G.
Other names: c.4825A>G, p.Thr1609Ala (NM_001351834.2); c.4825A>G (NM_000051.2); short protein forms T1609A.
Identifiers: ClinVar variation 236724 (VCV000236724.14), dbSNP rs761197886, ClinGen allele CA6265562.

ClinVar aggregate classification (germline): Conflicting classifications of pathogenicity. Review status: criteria provided, conflicting classifications (1 of 4 stars). 4 submissions from 4 submitters: Uncertain significance (3); Likely benign (1). Last evaluated 2024-10-28.

Conditions:
Hereditary cancer-predisposing syndrome. Also called: Tumor predisposition; Hereditary Cancer Syndrome; Hereditary neoplastic syndrome; Neoplastic Syndromes, Hereditary. Identifiers: Orphanet 140162, MedGen C0027672, MeSH D009386, MONDO:0015356.
Familial cancer of breast. Also called: hereditary breast carcinoma; BREAST CANCER, FAMILIAL; Hereditary breast cancer. Identifiers: Orphanet 227535, MedGen C0346153, MONDO:0016419, OMIM 114480. Disease mechanism: loss of function.
Ataxia-telangiectasia syndrome (AT). Also called: Ataxia telangiectasia (A-T); LOUIS-BAR SYNDROME; Cerebello-oculocutaneous telangiectasia; Immunodeficiency with ataxia telangiectasia; ATAXIA-TELANGIECTASIA, COMPLEMENTATION GROUP A; ATAXIA-TELANGIECTASIA, FRESNO VARIANT. Identifiers: Orphanet 100, MedGen C0004135, MONDO:0008840, OMIM 208900.

Allele frequency attached by ClinVar (database versions not stated): gnomAD exomes below 0.00001 and 0.00001; ExAC 0.00001.
gnomAD v4.1: 3 of 1,613,886 alleles (0.00019%); highest among the groups gnomAD compares: Non-Finnish European, 0.00025%; no homozygotes.

Submissions (4):

Ambry Genetics
Classification: Likely benign for Hereditary cancer-predisposing syndrome. Last evaluated: 2024-10-28. Review status: criteria provided, single submitter. Criteria: Ambry Variant Classification Scheme 2023. Collection method: clinical testing. Allele origin: germline.

Labcorp Genetics (formerly Invitae), Labcorp
Classification: Uncertain significance for Ataxia-telangiectasia syndrome. Last evaluated: 2024-10-21. Review status: criteria provided, single submitter. Criteria: Invitae Variant Classification Sherloc (09022015). Collection method: clinical testing. Allele origin: germline.
Comment: This sequence change replaces threonine, which is neutral and polar, with alanine, which is neutral and non-polar, at codon 1609 of the ATM protein (p.Thr1609Ala). This variant is present in population databases (rs761197886, gnomAD 0.0009%). This variant has not been reported in the literature in individuals affected with ATM-related conditions. ClinVar contains an entry for this variant (Variation ID: 236724). Invitae Evidence Modeling of protein sequence and biophysical properties (such as structural, functional, and spatial information, amino acid conservation, physicochemical variation, residue mobility, and thermodynamic stability) indicates that this missense variant is not expected to disrupt ATM protein function with a negative predictive value of 95%. In summary, the available evidence is currently insufficient to determine the role of this variant in disease. Therefore, it has been classified as a Variant of Uncertain Significance.

Women's Health and Genetics/Laboratory Corporation of America, LabCorp
Classification: Uncertain significance. Last evaluated: 2024-07-30. Review status: criteria provided, single submitter. Criteria: LabCorp Variant Classification Summary - May 2015. Collection method: clinical testing. Allele origin: germline.
Comment: Variant summary: ATM c.4825A>G (p.Thr1609Ala) results in a non-conservative amino acid change in the encoded protein sequence. Three of five in-silico tools predict a benign effect of the variant on protein function. The variant allele was found at a frequency of 4e-06 in 251310 control chromosomes. The available data on variant occurrences in the general population are insufficient to allow any conclusion about variant significance. To our knowledge, no occurrence of c.4825A>G in individuals affected with Breast Cancer and no experimental evidence demonstrating its impact on protein function have been reported. ClinVar contains an entry for this variant (Variation ID: 236724). Based on the evidence outlined above, the variant was classified as uncertain significance.

Department of Pathology and Laboratory Medicine, Sinai Health System
Classification: Uncertain significance for Familial cancer of breast. Last evaluated: 2023-04-17. Review status: criteria provided, single submitter. Criteria: ACMG Guidelines, 2015. Collection method: clinical testing. Allele origin: germline. Affected: yes.